The following is an entry in ClinVar:

ClinVar aggregate classification (germline): Uncertain significance. Review status: criteria provided, multiple submitters, no conflicts (2 of 4 stars). 2 submissions from 2 submitters: Uncertain significance (2). Last evaluated 2024-01-31.

Conditions:
Inborn genetic diseases. Identifiers: MedGen C0950123, MeSH D030342.

Allele frequency attached by ClinVar (database versions not stated): TOPMed below 0.00001; ExAC 0.00001; gnomAD 0.00001.
gnomAD v4.1: 10 of 1,611,510 alleles (0.00062%); highest among the groups gnomAD compares: South Asian, 0.0055%; no homozygotes.

Submissions (2):

Ambry Genetics
Classification: Uncertain significance for Inborn genetic diseases. Last evaluated: 2024-01-31. Review status: criteria provided, single submitter. Criteria: Ambry Variant Classification Scheme 2023. Collection method: clinical testing. Allele origin: germline.

Labcorp Genetics (formerly Invitae), Labcorp
Classification: Uncertain significance. Last evaluated: 2022-12-28. Review status: criteria provided, single submitter. Criteria: Invitae Variant Classification Sherloc (09022015). Collection method: clinical testing. Allele origin: germline.
Comment: This variant has not been reported in the literature in individuals affected with FREM1-related conditions. Advanced modeling of protein sequence and biophysical properties (such as structural, functional, and spatial information, amino acid conservation, physicochemical variation, residue mobility, and thermodynamic stability) has been performed at Invitae for this missense variant, however the output from this modeling did not meet the statistical confidence thresholds required to predict the impact of this variant on FREM1 protein function. Algorithms developed to predict the effect of sequence changes on RNA splicing suggest that this variant may disrupt the consensus splice site. In summary, the available evidence is currently insufficient to determine the role of this variant in disease. Therefore, it has been classified as a Variant of Uncertain Significance. This variant is present in population databases (rs774310234, gnomAD 0.007%). This sequence change replaces arginine, which is basic and polar, with cysteine, which is neutral and slightly polar, at codon 599 of the FREM1 protein (p.Arg599Cys).

NM_001379081.2(FREM1):c.1795C>T (p.Arg599Cys)

Gene: FREM1 (FRAS1 related extracellular matrix 1; minus strand). Cytogenetic location: 9p22.3.
Variant type: single nucleotide variant.
Coding change: c.1795C>T on transcript NM_001379081.2 (MANE Select); coding-DNA position 1795, C replaced by T.
Protein change: p.Arg599Cys; replaces arginine 599 with cysteine.
Molecular consequence: missense variant. On other transcripts: non-coding transcript variant (2).
Genome position (GRCh38, 1-based): chr9:14,841,533, G>A on the plus strand (C>T on the coding strand, the complement: FREM1 is on the minus strand). VCF-style: chr9-14841533-G-A. GRCh37 (hg19) VCF-style: chr9-14841531-G-A.
Other names: c.1795C>T (NM_144966.5); c.1795C>T, p.Arg599Cys (NM_144966.7); short protein forms R599C.
Identifiers: ClinVar variation 2997140 (VCV002997140.4), dbSNP rs774310234, ClinGen allele CA4991130.